The following is an entry in ClinVar:

ClinVar aggregate classification (germline): Uncertain significance (1 of 4 stars; one submission).

gnomAD v4.1: 4 of 1,608,264 alleles (0.00025%); highest among the groups gnomAD compares: Non-Finnish European, 0.00034%; no homozygotes.

Submission:

GeneDx
Classification: Uncertain significance. Last evaluated: 2025-08-01. Review status: criteria provided, single submitter. Criteria: GeneDx Variant Classification Process June 2021. Collection method: clinical testing. Allele origin: germline. Affected: yes.
Comment: Not observed at significant frequency in large population cohorts (gnomAD); In silico analysis supports that this missense variant has a deleterious effect on protein structure/function; Has not been previously published as pathogenic or benign to our knowledge

NM_005585.5(SMAD6):c.1208A>G (p.Tyr403Cys)

Gene: SMAD6 (SMAD family member 6; plus strand). Cytogenetic location: 15q22.31.
Variant type: single nucleotide variant.
Coding change: c.1208A>G on transcript NM_005585.5 (MANE Select); coding-DNA position 1208, A replaced by G.
Protein change: p.Tyr403Cys; replaces tyrosine 403 with cysteine.
Molecular consequence: missense variant. On other transcripts: non-coding transcript variant (1).
Genome position (GRCh38, 1-based): chr15:66,781,252, A>G. VCF-style: chr15-66781252-A-G. GRCh37 (hg19) VCF-style: chr15-67073590-A-G.
Other names: short protein forms Y403C.
Identifiers: ClinVar variation 4690174 (VCV004690174.1).
Genomic context (GRCh38, chr15:66,781,252, plus strand): 5'-CGCGCAGCAAGATCGGCTTCGGCATCCTGCTCAGCAAGGAGCCCGACGGCGTGTGGGCCT[A>G]CAACCGCGGCGAGCACCCCATCTTCGTCAACTCCCCGACGCTGGACGCGCCCGGCGGCCG-3'
Protein context (NP_005576.3, residues 393-413): LSKEPDGVWA[Tyr403Cys]NRGEHPIFVN